The following is an entry in ClinVar:

ClinVar aggregate classification (germline): Uncertain significance. Review status: criteria provided, multiple submitters, no conflicts (2 of 4 stars). 8 submissions from 8 submitters: Uncertain significance (7). 1 of the submissions does not count toward it. Last evaluated 2026-09-20.

Conditions:
WFS1-related disorder. Identifiers: MedGen CN379391, MONDO:0700293.
Autosomal dominant nonsyndromic hearing loss 6 (LFSNHL). Also called: Autosomal dominant nonsyndromic deafness 6; DEAFNESS, AUTOSOMAL DOMINANT 6; DEAFNESS, AUTOSOMAL DOMINANT 14; DEAFNESS, AUTOSOMAL DOMINANT 38. Identifiers: Orphanet 90635, MedGen C1833021, MONDO:0010963, OMIM 600965.
Type 2 diabetes mellitus. Also called: Type II diabetes mellitus. Identifiers: MedGen C0011860, MeSH D003924, MONDO:0005148, OMIM 125853, HP:0005978.
Wolfram-like syndrome. Also called: HEARING LOSS, PROGRESSIVE, WITH OPTIC ATROPHY AND/OR IMPAIRED GLUCOSE REGULATION. Identifiers: Orphanet 411590, MedGen C3280358, MONDO:0013673, OMIM 614296.
Cataract 41 (CTRCT41). Also called: CATARACT 41, CONGENITAL NUCLEAR TYPE. Identifiers: Orphanet 91492, Orphanet 98991, Orphanet 98992, Orphanet 98995, MedGen C3805412, MONDO:0007287, OMIM 116400.
Wolfram syndrome 1 (WFS1). Identifiers: Orphanet 3463, MedGen C4551693, MONDO:0009101, OMIM 222300.
Meniere disease. Also called: Ménière's disease. Identifiers: MedGen C0025281, MONDO:0007972, OMIM 156000.
Inborn genetic diseases. Identifiers: MedGen C0950123, MeSH D030342.

Allele frequency attached by ClinVar (database versions not stated): gnomAD 0.00019; TOPMed 0.00019.
gnomAD v4.1: 102 of 1,614,030 alleles (0.0063%); highest among the groups gnomAD compares: African/African-American, 0.023%; no homozygotes.

Submissions (8):

PreventionGenetics, part of Exact Sciences
Classification: Uncertain significance for WFS1-related condition. Last evaluated: 2026-09-20. Review status: criteria provided, single submitter. Criteria: ACMG Guidelines, 2015. Collection method: clinical testing. Allele origin: germline.
Comment: The WFS1 c.1123C>T variant is predicted to result in the amino acid substitution p.Arg375Cys. This variant was reported in heterozygous state without a second potentially causative variant in two sisters with optic atrophy (Galvez-Ruiz et al. 2018. PubMed ID: 29563951) and in a patient with type 1 diabetes (Yu et al. 2019. PubMed ID: 31264968). This variant is reported in 0.029% of alleles in individuals of Ashkenazi Jewish descent in gnomAD. At this time, the clinical significance of this variant is uncertain due to the absence of conclusive functional and genetic evidence.

Labcorp Genetics (formerly Invitae), Labcorp
Classification: Uncertain significance. Last evaluated: 2026-01-09. Review status: criteria provided, single submitter. Criteria: Invitae Variant Classification Sherloc (09022015). Collection method: clinical testing. Allele origin: germline.
Comment: This sequence change replaces arginine, which is basic and polar, with cysteine, which is neutral and slightly polar, at codon 375 of the WFS1 protein (p.Arg375Cys). This variant is present in population databases (rs200095753, gnomAD 0.03%). This missense change has been observed in individual(s) with clinical features of autosomal dominant Wolfram-like syndrome (PMID: 29563951, 31264968). ClinVar contains an entry for this variant (Variation ID: 215384). Invitae Evidence Modeling of protein sequence and biophysical properties (such as structural, functional, and spatial information, amino acid conservation, physicochemical variation, residue mobility, and thermodynamic stability) indicates that this missense variant is expected to disrupt WFS1 protein function with a positive predictive value of 80%. In summary, the available evidence is currently insufficient to determine the role of this variant in disease. Therefore, it has been classified as a Variant of Uncertain Significance.

3billion
Classification: Uncertain significance for Wolfram syndrome 1. Last evaluated: 2025-06-24. Review status: criteria provided, single submitter. Criteria: ACMG Guidelines, 2015. Collection method: clinical testing. Allele origin: germline. Affected: yes.
Comment: The variant is observed at an extremely low frequency in the gnomAD v4.1.0 dataset (total allele frequency: 0.006%). Predicted Consequence/Location: Missense variant In silico tool predictions suggest damaging effect of the variant on gene or gene product [REVEL: 0.83 (>=0.6, sensitivity 0.68 and specificity 0.92); 3Cnet: 0.01 (> 0.75, sensitivity 0.96 and precision 0.92)]. The same nucleotide change resulting in the same amino acid change has been previously reported to be associated with WFS1-related disorder (PMID: 29563951). A different missense change at the same codon (p.Arg375His) has been reported to be associated with WFS1-related disorder (PMID: 31264968). However the evidence of pathogenicity is insufficient at this time. Therefore, this variant is classified as VUS according to the recommendation of ACMG/AMP guideline.

Blueprint Genetics
Classification: Uncertain significance. Last evaluated: 2024-07-08. Review status: criteria provided, single submitter. Criteria: ACMG Guidelines, 2015. Collection method: clinical testing. Allele origin: germline.

Fulgent Genetics
Classification: Uncertain significance for Cataract 41; Type 2 diabetes mellitus; Wolfram syndrome 1; Autosomal dominant nonsyndromic hearing loss 6; Wolfram-like syndrome. Last evaluated: 2024-02-01. Review status: criteria provided, single submitter. Criteria: ACMG Guidelines, 2015. Collection method: clinical testing. Allele origin: germline.

Ambry Genetics
Classification: Uncertain significance for Inborn genetic diseases. Last evaluated: 2021-08-31. Review status: criteria provided, single submitter. Criteria: Ambry Variant Classification Scheme 2023. Collection method: clinical testing. Allele origin: germline.
Comment: Unlikely to be causative of autosomal dominant Wolfram syndrome (AD) Based on insufficient or conflicting evidence, the clinical significance of this alteration remains unclear.

Laboratory for Molecular Medicine, Mass General Brigham Personalized Medicine
Classification: Uncertain significance. Last evaluated: 2016-06-04. Review status: criteria provided, single submitter. Criteria: LMM Criteria. Collection method: clinical testing. Allele origin: germline. Observed: 1 variant allele.
Comment: The p.Arg375Cys variant in WFS1 has not been previously reported in individuals with hearing loss. This variant has been identified in 5/10404 African chromosom es by the Exome Aggregation Consortium (ExAC; db SNP rs200095753); however, its frequency is not high enough to rule out a pathog enic role. Computational prediction tools and conservation analyses suggest that this variant may impact the protein, though this information is not predictive enough to determine pathogenicity. In summary, the clinical significance of the p.Arg375Cys variant is uncertain.

Center for Computational Biology & Bioinformatics, University of California, San Diego
Classification: Uncertain significance for Meniere disease. Last evaluated: 2024-06-03. Review status: no assertion criteria provided. Collection method: research. Allele origin: germline. Affected: yes. Not counted in ClinVar's aggregate classification.

Literature cited by the submitters: PubMed 29563951 (cited by Labcorp Genetics (formerly Invitae), Labcorp and 3billion); PubMed 31264968 (cited by Labcorp Genetics (formerly Invitae), Labcorp and 3billion).

NM_006005.3(WFS1):c.1123C>T (p.Arg375Cys)

Gene: WFS1 (wolframin ER transmembrane glycoprotein; plus strand). Cytogenetic location: 4p16.1.
Variant type: single nucleotide variant.
Coding change: c.1123C>T on transcript NM_006005.3 (MANE Select); coding-DNA position 1123, C replaced by T.
Protein change: p.Arg375Cys; replaces arginine 375 with cysteine.
Molecular consequence: missense variant.
Genome position (GRCh38, 1-based): chr4:6,300,918, C>T. VCF-style: chr4-6300918-C-T. GRCh37 (hg19) VCF-style: chr4-6302645-C-T.
Other names: c.1123C>T, p.Arg375Cys (NM_001145853.1); short protein forms R375C.
Identifiers: ClinVar variation 215384 (VCV000215384.18), dbSNP rs200095753, ClinGen allele CA320427.